The following is an entry in ClinVar:

ClinVar aggregate classification (germline): Likely benign (1 of 4 stars; one submission).

Conditions:
Smith-McCort dysplasia 2 (SMC2). Identifiers: MedGen C3714896, MONDO:0014087, OMIM 615222.

Allele frequency attached by ClinVar (database versions not stated): gnomAD below 0.00001 and 0.00003; TOPMed 0.00002; 1000 Genomes Project 30x 0.00047; 1000 Genomes Project 0.00060.
gnomAD v4.1: 4 of 152,278 alleles (0.0026%); highest among the groups gnomAD compares: South Asian, 0.083%; no homozygotes.

Submission:

Illumina Laboratory Services, Illumina
Classification: Likely benign for Smith-McCort dysplasia 2. Last evaluated: 2018-01-13. Review status: criteria provided, single submitter. Criteria: ICSL Variant Classification Criteria 13 December 2019. Collection method: clinical testing. Allele origin: germline.
Comment: This variant was observed in the ICSL laboratory as part of a predisposition screen in an ostensibly healthy population. It had not been previously curated by ICSL or reported in the Human Gene Mutation Database (HGMD: prior to June 1st, 2018), and was therefore a candidate for classification through an automated scoring system. Utilizing variant allele frequency, disease prevalence and penetrance estimates, and inheritance mode, an automated score was calculated to assess if this variant is too frequent to cause the disease. Based on the score and internal cut-off values, a variant classified as likely benign is not then subjected to further curation. The score for this variant resulted in a classification of likely benign for this disease.

NM_031296.3(RAB33B):c.*2548T>G

Gene: RAB33B (RAB33B, member RAS oncogene family; plus strand). Cytogenetic location: 4q31.1.
Variant type: single nucleotide variant.
Coding change: c.*2548T>G on transcript NM_031296.3 (MANE Select); 2548 bases downstream of the stop codon, T replaced by G.
Molecular consequence: 3 prime UTR variant.
Genome position (GRCh38, 1-based): chr4:139,475,674, T>G. VCF-style: chr4-139475674-T-G. GRCh37 (hg19) VCF-style: chr4-140396828-T-G.
Identifiers: ClinVar variation 900367 (VCV000900367.4), dbSNP rs529499632, ClinGen allele CA106697707.